The following is an entry in ClinVar:

NM_007209.4(RPL35):c.96C>T (p.Arg32=)

Gene: RPL35 (ribosomal protein L35; minus strand). Cytogenetic location: 9q33.3.
Variant type: single nucleotide variant.
Coding change: c.96C>T on transcript NM_007209.4 (MANE Select); coding-DNA position 96, C replaced by T.
Protein change: p.Arg32=; no amino-acid change (arginine 32 retained).
Molecular consequence: synonymous variant.
Genome position (GRCh38, 1-based): chr9:124,861,463, G>A on the plus strand (C>T on the coding strand, the complement: RPL35 is on the minus strand). VCF-style: chr9-124861463-G-A. GRCh37 (hg19) VCF-style: chr9-127623742-G-A.
Other names: c.96C>T (NM_007209.3).
Identifiers: ClinVar variation 1971142 (VCV001971142.30), dbSNP rs148475910, ClinGen allele CA5237269.

ClinVar aggregate classification (germline): Benign/Likely benign. Review status: criteria provided, multiple submitters, no conflicts (2 of 4 stars). 3 submissions from 3 submitters: Benign (1); Likely benign (1). 1 of the submissions does not count toward it. Last evaluated 2026-07-01.

Conditions:
RPL35-related disorder. Also called: RPL35-related condition.

Allele frequency attached by ClinVar (database versions not stated): 1000 Genomes Project 0.00280; 1000 Genomes Project 30x 0.00297; gnomAD 0.00520; ExAC 0.00592; ESP Exome Variant Server 0.00700.

Submissions (3):

CeGaT Center for Human Genetics Tuebingen
Classification: Likely benign. Last evaluated: 2026-07-01. Review status: criteria provided, single submitter. Criteria: CeGaT Center For Human Genetics Tuebingen Variant Classification Criteria Version 2. Collection method: clinical testing. Allele origin: germline. Affected: yes. Observed: 7 variant alleles.
Comment: RPL35: BP4, BP7, BS2

Labcorp Genetics (formerly Invitae), Labcorp
Classification: Benign. Last evaluated: 2026-02-02. Review status: criteria provided, single submitter. Criteria: Invitae Variant Classification Sherloc (09022015). Collection method: clinical testing. Allele origin: germline.

PreventionGenetics, part of Exact Sciences
Classification: Benign for RPL35-related condition. Last evaluated: 2019-07-15. Review status: no assertion criteria provided. Collection method: clinical testing. Allele origin: germline. Not counted in ClinVar's aggregate classification.
Comment: This variant is classified as benign based on ACMG/AMP sequence variant interpretation guidelines (Richards et al. 2015 PMID: 25741868, with internal and published modifications).